The following is an entry in ClinVar:

ClinVar aggregate classification (germline): Uncertain significance. Review status: criteria provided, multiple submitters, no conflicts (2 of 4 stars). 3 submissions from 3 submitters: Uncertain significance (3). Last evaluated 2024-08-12.

Conditions:
Cardiomyopathy (CMYO). Also called: Cardiomyopathies. Identifiers: Orphanet 167848, MedGen C0878544, MONDO:0004994, HP:0001638. Inheritance: Various modes of inheritance.
Cardiovascular phenotype. Identifiers: MedGen CN230736.

Allele frequency attached by ClinVar (database versions not stated): gnomAD exomes 0.00001.
gnomAD v4.1: 12 of 1,613,716 alleles (0.00074%); highest among the groups gnomAD compares: Non-Finnish European, 0.001%; no homozygotes.

Submissions (3):

Color Diagnostics, LLC DBA Color Health
Classification: Uncertain significance for Cardiomyopathy. Last evaluated: 2024-08-12. Review status: criteria provided, single submitter. Criteria: ACMG Guidelines, 2015. Collection method: clinical testing. Allele origin: germline.
Comment: This missense variant replaces aspartic acid with glutamic acid at codon 1919 of the DSP protein. Computational prediction suggests that this variant may not impact protein structure and function. To our knowledge, functional studies have not been reported for this variant. This variant has not been reported in individuals affected with cardiovascular disorders in the literature. This variant has not been identified in the general population by the Genome Aggregation Database (gnomAD). The available evidence is insufficient to determine the role of this variant in disease conclusively. Therefore, this variant is classified as a Variant of Uncertain Significance.

Ambry Genetics
Classification: Uncertain significance for Cardiovascular phenotype. Last evaluated: 2020-03-19. Review status: criteria provided, single submitter. Criteria: Ambry Variant Classification Scheme 2023. Collection method: clinical testing. Allele origin: germline.
Comment: The p.D1919E variant (also known as c.5757T>G), located in coding exon 24 of the DSP gene, results from a T to G substitution at nucleotide position 5757. The aspartic acid at codon 1919 is replaced by glutamic acid, an amino acid with highly similar properties. This amino acid position is not well conserved in available vertebrate species. In addition, this alteration is predicted to be tolerated by in silico analysis. Since supporting evidence is limited at this time, the clinical significance of this alteration remains unclear.

Laboratory for Molecular Medicine, Mass General Brigham Personalized Medicine
Classification: Uncertain significance. Last evaluated: 2013-12-11. Review status: criteria provided, single submitter. Criteria: LMM Criteria. Collection method: clinical testing. Allele origin: germline. Observed: 1 variant allele.
Comment: Variant classified as Uncertain Significance - Favor Benign. The Asp1919Glu in D SP has not been previously reported in individuals with cardiomyopathy or in lar ge population studies. Aspartic acid (Asp) at position 1919 is not conserved in evolution and several species (including one mammal) carry a glutamic acid (Glu) at this position, supporting that this change may be tolerated. Computational p redictions (AlignGVGD, PolyPhen2, SIFT) do not suggest a high likelihood of impa ct to the protein. Although this data supports that the Asp1919Glu variant may be benign, additional studies are needed to fully assess its clinical significan ce.

NM_004415.4(DSP):c.5757T>G (p.Asp1919Glu)

Gene: DSP (desmoplakin; plus strand). Cytogenetic location: 6p24.3.
Variant type: single nucleotide variant.
Coding change: c.5757T>G on transcript NM_004415.4 (MANE Select); coding-DNA position 5757, T replaced by G.
Protein change: p.Asp1919Glu; replaces aspartic acid 1919 with glutamic acid.
Molecular consequence: missense variant.
Genome position (GRCh38, 1-based): chr6:7,583,019, T>G. VCF-style: chr6-7583019-T-G. GRCh37 (hg19) VCF-style: chr6-7583252-T-G.
Other names: c.3960T>G, p.Asp1320Glu (NM_001008844.3); c.4428T>G, p.Asp1476Glu (NM_001319034.2); short protein forms D1919E, D1476E, D1320E.
Identifiers: ClinVar variation 179444 (VCV000179444.9), dbSNP rs727504871, ClinGen allele CA006588.